The following is an entry in ClinVar:

NM_003107.3(SOX4):c.661G>T (p.Ala221Ser)

Gene: SOX4 (SRY-box transcription factor 4; plus strand). Cytogenetic location: 6p22.3.
Variant type: single nucleotide variant.
Coding change: c.661G>T on transcript NM_003107.3 (MANE Select); coding-DNA position 661, G replaced by T.
Protein change: p.Ala221Ser; replaces alanine 221 with serine.
Molecular consequence: missense variant.
Genome position (GRCh38, 1-based): chr6:21,595,195, G>T. VCF-style: chr6-21595195-G-T. GRCh37 (hg19) VCF-style: chr6-21595426-G-T.
Other names: short protein forms A221S.
Identifiers: ClinVar variation 4536202 (VCV004536202.2).

ClinVar aggregate classification (germline): Uncertain significance (1 of 4 stars; one submission).

Submission:

GeneDx
Classification: Uncertain significance. Last evaluated: 2026-02-05. Review status: criteria provided, single submitter. Criteria: GeneDx Variant Classification Process June 2021. Collection method: clinical testing. Allele origin: germline.
Comment: Not observed at significant frequency in large population cohorts (gnomAD); In silico analysis suggests that this missense variant does not alter protein structure/function; Has not been previously published as pathogenic or benign to our knowledge